The following is an entry in ClinVar:

NM_000292.3(PHKA2):c.772G>A (p.Gly258Arg)

Gene: PHKA2 (phosphorylase kinase regulatory subunit alpha 2; minus strand). Cytogenetic location: Xp22.13.
Variant type: single nucleotide variant.
Coding change: c.772G>A on transcript NM_000292.3 (MANE Select); coding-DNA position 772, G replaced by A.
Protein change: p.Gly258Arg; replaces glycine 258 with arginine.
Molecular consequence: missense variant.
Genome position (GRCh38, 1-based): chrX:18,941,621, C>T on the plus strand (G>A on the coding strand, the complement: PHKA2 is on the minus strand). VCF-style: chrX-18941621-C-T. GRCh37 (hg19) VCF-style: chrX-18959739-C-T.
Other names: short protein forms G258R.
Identifiers: ClinVar variation 1683501 (VCV001683501.7), dbSNP rs2147962993, ClinGen allele CA412398165.

ClinVar aggregate classification (germline): Uncertain significance. Review status: criteria provided, multiple submitters, no conflicts (2 of 4 stars). 2 submissions from 2 submitters: Uncertain significance (2). Last evaluated 2022-10-26.

Conditions:
Glycogen storage disease IXa1. Also called: LIVER GLYCOGENOSIS, X-LINKED, TYPE I; GLYCOGEN STORAGE DISEASE VIII; GSD VIII; Glycogen storage disease 8. Identifiers: Orphanet 264580, MedGen C3694531, MONDO:0010598, OMIM 306000.

Submissions (2):

Labcorp Genetics (formerly Invitae), Labcorp
Classification: Uncertain significance for Glycogen storage disease IXa1. Last evaluated: 2022-10-26. Review status: criteria provided, single submitter. Criteria: Invitae Variant Classification Sherloc (09022015). Collection method: clinical testing. Allele origin: germline.
Comment: In summary, the available evidence is currently insufficient to determine the role of this variant in disease. Therefore, it has been classified as a Variant of Uncertain Significance. This sequence change replaces glycine, which is neutral and non-polar, with arginine, which is basic and polar, at codon 258 of the PHKA2 protein (p.Gly258Arg). Advanced modeling of protein sequence and biophysical properties (such as structural, functional, and spatial information, amino acid conservation, physicochemical variation, residue mobility, and thermodynamic stability) performed at Invitae indicates that this missense variant is expected to disrupt PHKA2 protein function. ClinVar contains an entry for this variant (Variation ID: 1683501). This missense change has been observed in individual(s) with clinical features of glycogen storage disease type IXa (Invitae). This variant is not present in population databases (gnomAD no frequency).

Laboratorio de Genetica e Diagnostico Molecular, Hospital Israelita Albert Einstein
Classification: Uncertain significance for Glycogen storage disease IXa1. Last evaluated: 2022-01-05. Review status: criteria provided, single submitter. Criteria: ACMG Guidelines, 2015. Collection method: clinical testing. Allele origin: germline. Affected: yes.
Comment: ACMG classification criteria: PM2 moderate, PP3 supporting